The following is an entry in ClinVar:

ClinVar aggregate classification (germline): Uncertain significance. Review status: criteria provided, multiple submitters, no conflicts (2 of 4 stars). 2 submissions from 2 submitters: Uncertain significance (2). Last evaluated 2024-04-27.

Conditions:
Megalencephaly-polymicrogyria-postaxial polydactyly-hydrocephalus syndrome. Also called: MEG-PMG-MEGACC SYNDROME; MPPH Syndrome. Identifiers: Orphanet 83473, MedGen C1863924, MONDO:0019375.
Inborn genetic diseases. Identifiers: MedGen C0950123, MeSH D030342.

Allele frequency attached by ClinVar (database versions not stated): TOPMed 0.00002; gnomAD 0.00003; gnomAD exomes 0.00003 and 0.00006.
gnomAD v4.1: 82 of 1,570,702 alleles (0.0052%); highest among the groups gnomAD compares: South Asian, 0.023%; no homozygotes.

Submissions (2):

Ambry Genetics
Classification: Uncertain significance for Inborn genetic diseases. Last evaluated: 2024-04-27. Review status: criteria provided, single submitter. Criteria: Ambry Variant Classification Scheme 2023. Collection method: clinical testing. Allele origin: germline.

Labcorp Genetics (formerly Invitae), Labcorp
Classification: Uncertain significance for Megalencephaly-polymicrogyria-postaxial polydactyly-hydrocephalus syndrome. Last evaluated: 2022-10-31. Review status: criteria provided, single submitter. Criteria: Invitae Variant Classification Sherloc (09022015). Collection method: clinical testing. Allele origin: germline.
Comment: This sequence change replaces proline, which is neutral and non-polar, with leucine, which is neutral and non-polar, at codon 20 of the PIK3R2 protein (p.Pro20Leu). The frequency data for this variant in the population databases is considered unreliable, as metrics indicate poor data quality at this position in the gnomAD database. This variant has not been reported in the literature in individuals affected with PIK3R2-related conditions. ClinVar contains an entry for this variant (Variation ID: 1015086). Advanced modeling of protein sequence and biophysical properties (such as structural, functional, and spatial information, amino acid conservation, physicochemical variation, residue mobility, and thermodynamic stability) has been performed at Invitae for this missense variant, however the output from this modeling did not meet the statistical confidence thresholds required to predict the impact of this variant on PIK3R2 protein function. In summary, the available evidence is currently insufficient to determine the role of this variant in disease. Therefore, it has been classified as a Variant of Uncertain Significance.

NM_005027.4(PIK3R2):c.59C>T (p.Pro20Leu)

Gene: PIK3R2 (phosphoinositide-3-kinase regulatory subunit 2; plus strand). Cytogenetic location: 19p13.11.
Variant type: single nucleotide variant.
Coding change: c.59C>T on transcript NM_005027.4 (MANE Select); coding-DNA position 59, C replaced by T.
Protein change: p.Pro20Leu; replaces proline 20 with leucine.
Molecular consequence: missense variant. On other transcripts: non-coding transcript variant (2).
Genome position (GRCh38, 1-based): chr19:18,155,938, C>T. VCF-style: chr19-18155938-C-T. GRCh37 (hg19) VCF-style: chr19-18266748-C-T.
Other names: c.59C>T (NM_005027.2); short protein forms P20L.
Identifiers: ClinVar variation 1015086 (VCV001015086.9), dbSNP rs929809973, ClinGen allele CA306163901.